The following is an entry in ClinVar:

ClinVar aggregate classification (germline): Pathogenic (1 of 4 stars; one submission).

Submission:

Labcorp Genetics (formerly Invitae), Labcorp
Classification: Pathogenic. Last evaluated: 2025-12-24. Review status: criteria provided, single submitter. Criteria: Invitae Variant Classification Sherloc (09022015). Collection method: clinical testing. Allele origin: germline.
Comment: This sequence change creates a premature translational stop signal (p.Cys214Metfs*4) in the ALDH3A2 gene. It is expected to result in an absent or disrupted protein product. Loss-of-function variants in ALDH3A2 are known to be pathogenic (PMID: 10577908, 10854114). This variant is present in population databases (no rsID available, gnomAD 0.003%). This variant has not been reported in the literature in individuals affected with ALDH3A2-related conditions. Algorithms developed to predict the effect of sequence changes on RNA splicing suggest that this variant may disrupt the consensus splice site. For these reasons, this variant has been classified as Pathogenic.

Literature cited by the submitters: PubMed 10577908; PubMed 10854114.

NM_000382.3(ALDH3A2):c.638dup (p.Cys214fs)

Gene: ALDH3A2 (aldehyde dehydrogenase 3 family member A2; plus strand). Cytogenetic location: 17p11.2.
Variant type: Duplication.
Coding change: c.638dup on transcript NM_000382.3 (MANE Select); coding-DNA position 638, one base duplicated (C; older notation c.638dupC).
Protein change: p.Cys214fs; shifts the reading frame from cysteine 214.
Molecular consequence: frameshift variant.
Genome position (GRCh38, 1-based): chr17:19,656,532, C duplicated; the last of 2 consecutive C bases (chr17:19,656,531-19,656,532); duplicating either gives the same sequence. VCF-style (leftmost placement, unchanged base first): chr17-19656530-T-TC. GRCh37 (hg19) VCF-style: chr17-19559843-T-TC.
Other names: c.638dup, p.Cys214fs (NM_001031806.2, NM_001369136.1, NM_001369137.2 and 3 more transcripts); c.59dup, p.Cys21fs (NM_001369148.2); short protein forms C214fs, C21fs.
Identifiers: ClinVar variation 4734067 (VCV004734067.1).